The following is an entry in ClinVar:

NM_000132.4(F8):c.6545G>T (p.Arg2182Leu)

Gene: F8 (coagulation factor VIII; minus strand). Cytogenetic location: Xq28.
Variant type: single nucleotide variant.
Coding change: c.6545G>T on transcript NM_000132.4 (MANE Select); coding-DNA position 6545, G replaced by T.
Protein change: p.Arg2182Leu; replaces arginine 2182 with leucine.
Molecular consequence: missense variant.
Genome position (GRCh38, 1-based): chrX:154,863,112, C>A on the plus strand (G>T on the coding strand, the complement: F8 is on the minus strand). VCF-style: chrX-154863112-C-A. GRCh37 (hg19) VCF-style: chrX-154091387-C-A.
Other names: c.140G>T, p.Arg47Leu (NM_019863.3); short protein forms R2182L, R47L.
Identifiers: ClinVar variation 4081658 (VCV004081658.1).

ClinVar aggregate classification (germline): Likely pathogenic (1 of 4 stars; one submission).

Conditions:
Hereditary factor VIII deficiency disease (HEMA). Also called: HEMOPHILIA, CLASSIC; AUTOSOMAL HEMOPHILIA A; Hemophilia A; Hemophilia A, congenital; HEM A; Factor 8 deficiency, congenital. Identifiers: Orphanet 98878, MedGen C0019069, MONDO:0010602, OMIM 306700.

Submission:

Myriad Genetics, Inc.
Classification: Likely pathogenic for Hereditary factor VIII deficiency disease. Last evaluated: 2025-06-18. Review status: criteria provided, single submitter. Criteria: Myriad Autosomal Dominant, Autosomal Recessive and X-Linked Classification Criteria (2023). Collection method: clinical testing. Allele origin: unknown.
Comment: NM_000132.3(F8):c.6545G>T(R2182L) is a missense variant classified as likely pathogenic in the context of hemophilia A. R2182L has been observed in cases with relevant disease (PMID: 21070499, 32026663, 33254277, Vasquez_2017_(Thesis)). Relevant functional assessments of this variant are not available in the literature. R2182L has not been observed in referenced population frequency databases. In summary, NM_000132.3(F8):c.6545G>T(R2182L) is a missense variant that has been observed more frequently in cases with the relevant disease than in healthy populations. Please note: this variant was assessed in the context of healthy population screening.